The following is an entry in ClinVar:

ClinVar aggregate classification (germline): Uncertain significance (1 of 4 stars; one submission).

gnomAD v4.1: 2 of 1,385,584 alleles (0.00014%); highest among the groups gnomAD compares: African/African-American, 0.0015%; no homozygotes.

Submission:

GeneDx
Classification: Uncertain significance. Last evaluated: 2024-09-27. Review status: criteria provided, single submitter. Criteria: GeneDx Variant Classification Process June 2021. Collection method: clinical testing. Allele origin: germline. Affected: yes.
Comment: Not observed at significant frequency in large population cohorts (gnomAD); In silico analysis supports that this missense variant has a deleterious effect on protein structure/function; Has not been previously published as pathogenic or benign to our knowledge

NM_032188.3(KAT8):c.190C>T (p.Arg64Trp)

Gene: KAT8 (lysine acetyltransferase 8; plus strand). Cytogenetic location: 16p11.2.
Variant type: single nucleotide variant.
Coding change: c.190C>T on transcript NM_032188.3 (MANE Select); coding-DNA position 190, C replaced by T.
Protein change: p.Arg64Trp; replaces arginine 64 with tryptophan.
Molecular consequence: missense variant.
Genome position (GRCh38, 1-based): chr16:31,117,871, C>T. VCF-style: chr16-31117871-C-T. GRCh37 (hg19) VCF-style: chr16-31129192-C-T.
Other names: c.190C>T, p.Arg64Trp (NM_182958.4); short protein forms R64W.
Identifiers: ClinVar variation 3774739 (VCV003774739.1).